The following is an entry in ClinVar:

NM_000435.3(NOTCH3):c.3569G>A (p.Arg1190His)

Gene: NOTCH3 (notch receptor 3; minus strand). Cytogenetic location: 19p13.12.
Variant type: single nucleotide variant.
Coding change: c.3569G>A on transcript NM_000435.3 (MANE Select); coding-DNA position 3569, G replaced by A.
Protein change: p.Arg1190His; replaces arginine 1190 with histidine.
Molecular consequence: missense variant.
Genome position (GRCh38, 1-based): chr19:15,179,174, C>T on the plus strand (G>A on the coding strand, the complement: NOTCH3 is on the minus strand). VCF-style: chr19-15179174-C-T. GRCh37 (hg19) VCF-style: chr19-15289985-C-T.
Other names: p.Arg1190His; short protein forms R1190H.
Identifiers: ClinVar variation 595630 (VCV000595630.16), dbSNP rs372241697, ClinGen allele CA9263050.

ClinVar aggregate classification (germline): Conflicting classifications of pathogenicity. Review status: criteria provided, conflicting classifications (1 of 4 stars). 6 submissions from 6 submitters: Uncertain significance (2); Benign (2); Likely benign (1). 1 of the submissions does not count toward it. Last evaluated 2026-01-12.

Conditions:
NOTCH3-related disorder. Also called: NOTCH3-related disorders; NOTCH3-related condition.

Allele frequency attached by ClinVar (database versions not stated): gnomAD exomes 0.00006; ExAC 0.00007; TOPMed 0.00010; gnomAD 0.00012 and 0.00013; ESP Exome Variant Server 0.00015.
gnomAD v4.1: 60 of 1,613,854 alleles (0.0037%); highest among the groups gnomAD compares: African/African-American, 0.06%; no homozygotes.

Submissions (6):

Women's Health and Genetics/Laboratory Corporation of America, LabCorp
Classification: Uncertain significance. Last evaluated: 2026-01-12. Review status: criteria provided, single submitter. Criteria: LabCorp Variant Classification Summary - May 2015. Collection method: clinical testing. Allele origin: germline.
Comment: Variant summary: NOTCH3 c.3569G>A (p.Arg1190His) results in a non-conservative amino acid change in the encoded protein sequence. Algorithms developed to predict the effect of missense changes on protein structure and function are either unavailable or do not agree on the potential impact of this missense change. The variant allele was found at a frequency of 5.6e-05 in 250428 control chromosomes. This frequency is not significantly higher than estimated for disease-causing variants in NOTCH3, allowing no conclusion about variant significance. To our knowledge, no occurrence of c.3569G>A in individuals affected with NOTCH3-related conditions and no experimental evidence demonstrating its impact on protein function have been reported. ClinVar contains an entry for this variant (Variation ID: 595630). Based on the evidence outlined above, the variant was classified as uncertain significance.

Mayo Clinic Laboratories, Mayo Clinic
Classification: Likely benign. Last evaluated: 2025-10-07. Review status: criteria provided, single submitter. Criteria: ACMG Guidelines, 2015. Collection method: clinical testing. Allele origin: germline. Observed: 1 variant allele.
Comment: BS2, BP1, BP4_moderate

Athena Diagnostics
Classification: Benign. Last evaluated: 2024-11-22. Review status: criteria provided, single submitter. Criteria: Athena Diagnostics Criteria. Collection method: clinical testing. Allele origin: unknown.

Labcorp Genetics (formerly Invitae), Labcorp
Classification: Benign. Last evaluated: 2024-04-15. Review status: criteria provided, single submitter. Criteria: Invitae Variant Classification Sherloc (09022015). Collection method: clinical testing. Allele origin: germline.

Eurofins Ntd Llc (ga)
Classification: Uncertain significance. Last evaluated: 2018-01-02. Review status: criteria provided, single submitter. Criteria: EGL Classification Definitions 2015. Collection method: clinical testing. Allele origin: germline. Observed: 1 variant allele, 1 heterozygote.

PreventionGenetics, part of Exact Sciences
Classification: Likely benign for NOTCH3-related condition. Last evaluated: 2023-04-26. Review status: no assertion criteria provided. Collection method: clinical testing. Allele origin: germline. Not counted in ClinVar's aggregate classification.
Comment: This variant is classified as likely benign based on ACMG/AMP sequence variant interpretation guidelines (Richards et al. 2015 PMID: 25741868, with internal and published modifications).